The following is an entry in ClinVar:

NM_033380.3(COL4A5):c.2387G>A (p.Gly796Glu)

Gene: COL4A5 (collagen type IV alpha 5 chain; plus strand). Cytogenetic location: Xq22.3.
Variant type: single nucleotide variant.
Coding change: c.2387G>A on transcript NM_033380.3 (MANE Select); coding-DNA position 2387, G replaced by A.
Protein change: p.Gly796Glu; replaces glycine 796 with glutamic acid.
Molecular consequence: missense variant.
Genome position (GRCh38, 1-based): chrX:108,606,884, G>A. VCF-style: chrX-108606884-G-A. GRCh37 (hg19) VCF-style: chrX-107850114-G-A.
Other names: c.2387G>A, p.Gly796Glu (NM_000495.5); short protein forms G796E.
Identifiers: ClinVar variation 988185 (VCV000988185.1), dbSNP rs1569495819, ClinGen allele CA413849220.
Genomic context (GRCh38, chrX:108,606,884, plus strand): 5'-ATCGTGGTTTCCCAGGACCTCCGGGTCCTCCAGGACGCACTGGCTTAGATGGGCTCCCTG[G>A]ACCAAAAGGTATGGAGGCTGTCACTGCATCTCAACTTGCTTTTAACTTTTATAGAAATTG-3'
Protein context (NP_203699.1, residues 786-806): PGRTGLDGLP[Gly796Glu]PKGDVGPNGQ

ClinVar aggregate classification (germline): Pathogenic (0 of 4 stars; one submission).

Conditions:
Nephrotic syndrome. Identifiers: MedGen C0027726, MONDO:0005377, HP:0000100.

Submission:

Sydney Genome Diagnostics, Children's Hospital Westmead
Classification: Pathogenic for Nephrotic syndrome. Last evaluated: 2018-10-24. Review status: no assertion criteria provided. Collection method: clinical testing. Allele origin: unknown. Affected: yes. Observed: 1 variant allele, 1 hemizygote.
Comment: This variant is considered to be pathogenic as it results in the substitution of one of the invariant glycine residues in the triple helical domain of COL4A5. In addition, in silico analysis (Alamut v2.6) using Polyphen-2, SIFT, Mutation Taster and Align GVGD all suggest that this variant is likely to be pathogenic.